The following is an entry in ClinVar:

NM_005525.4(HSD11B1):c.332-29T>G

Genes: HSD11B1 (hydroxysteroid 11-beta dehydrogenase 1; plus strand), HSD11B1-AS1 (HSD11B1 antisense RNA 1; minus strand). Cytogenetic location: 1q32.2.
Variant type: single nucleotide variant.
Coding change: c.332-29T>G on transcript NM_005525.4 (MANE Select); 29 bases into the intron before coding-DNA position 332, T replaced by G.
Molecular consequence: intron variant.
Genome position (GRCh38, 1-based): chr1:209,706,914, T>G. VCF-style: chr1-209706914-T-G. GRCh37 (hg19) VCF-style: chr1-209880259-T-G.
Other names: HSD11B1, 83597T-G; c.332-29T>G (NM_001206741.2, NM_181755.3).
Identifiers: ClinVar variation 375729 (VCV000375729.4), dbSNP rs12086634, ClinGen allele CA1376344.

ClinVar aggregate classification (germline): Benign. Review status: criteria provided, multiple submitters, no conflicts (2 of 4 stars). 2 submissions from 2 submitters: Benign (2).

Conditions:
Cortisone reductase deficiency 2 (CORTRD2). Identifiers: Orphanet 168588, MedGen C3553382, MONDO:0013842, OMIM 614662.

Allele frequency attached by ClinVar (database versions not stated): gnomAD 0.19613 and 0.19650; TOPMed 0.19279; 1000 Genomes Project 0.19708; 1000 Genomes Project 30x 0.19831; gnomAD exomes 0.20002 and 0.20648; ExAC 0.20664; ESP Exome Variant Server 0.19076.
gnomAD v4.1: 322,141 of 1,611,884 alleles (20%); highest among the groups gnomAD compares: Non-Finnish European, 20%; 33,020 homozygotes.

Submissions (2):

Breakthrough Genomics
Classification: Benign. Review status: criteria provided, single submitter. Criteria: ACMG Guidelines, 2015. Collection method: not provided. Allele origin: germline. Inheritance: Autosomal dominant inheritance. Affected: yes.

Broad Center for Mendelian Genomics, Broad Institute of MIT and Harvard
Classification: Benign for Cortisone reductase deficiency 2. Review status: criteria provided, single submitter. Criteria: ACMG Guidelines, 2015. Collection method: research. Allele origin: germline. Affected: yes.
Comment: The heterozygous c.331+94T>G variant in HSD11B1 has been identified in 3 individuals with cortisone reductase deficiency (PMID: 12858176). This variant is classified as benign for cortisone reductase deficiency because it has been identified in >25% of European (Finnish) chromosomes and 2719 total homozygotes by ExAC.